The following is an entry in ClinVar:

NM_000236.3(LIPC):c.1015_1023dup (p.Leu341_Val342insLeuPheLeu)

Gene: LIPC (lipase C, hepatic type; plus strand). Cytogenetic location: 15q21.3.
Variant type: Duplication.
Coding change: c.1015_1023dup on transcript NM_000236.3 (MANE Select); coding-DNA positions 1015 to 1023, 9 bases duplicated (CTCTTCCTC; older notation c.1015_1023dupCTCTTCCTC).
Protein change: p.Leu341_Val342insLeuPheLeu.
Molecular consequence: inframe insertion.
Genome position (GRCh38, 1-based): chr15:58,548,536-58,548,544, CTCTTCCTC duplicated. VCF-style (leftmost placement, unchanged base first): chr15-58548535-G-GCTCTTCCTC. GRCh37 (hg19) VCF-style: chr15-58840734-G-GCTCTTCCTC.
Identifiers: ClinVar variation 2712293 (VCV002712293.3), dbSNP rs747242608, ClinGen allele CA7585072.

ClinVar aggregate classification (germline): Uncertain significance (1 of 4 stars; one submission).

Allele frequency attached by ClinVar (database versions not stated): ExAC 0.00003; gnomAD 0.00005; TOPMed 0.00005; gnomAD exomes 0.00006.

Submission:

Labcorp Genetics (formerly Invitae), Labcorp
Classification: Uncertain significance. Last evaluated: 2023-07-12. Review status: criteria provided, single submitter. Criteria: Invitae Variant Classification Sherloc (09022015). Collection method: clinical testing. Allele origin: germline.
Comment: This variant, c.1015_1023dup, results in the insertion of 3 amino acid(s) of the LIPC protein (p.Leu339_Leu341dup), but otherwise preserves the integrity of the reading frame. This variant is present in population databases (rs747242608, gnomAD 0.006%). This variant has not been reported in the literature in individuals affected with LIPC-related conditions. In summary, the available evidence is currently insufficient to determine the role of this variant in disease. Therefore, it has been classified as a Variant of Uncertain Significance.